The following is an entry in ClinVar:

NM_020638.3(FGF23):c.88C>T (p.Pro30Ser)

Gene: FGF23 (fibroblast growth factor 23; minus strand). Cytogenetic location: 12p13.32.
Variant type: single nucleotide variant.
Coding change: c.88C>T on transcript NM_020638.3 (MANE Select); coding-DNA position 88, C replaced by T.
Protein change: p.Pro30Ser; replaces proline 30 with serine.
Molecular consequence: missense variant.
Genome position (GRCh38, 1-based): chr12:4,379,495, G>A on the plus strand (C>T on the coding strand, the complement: FGF23 is on the minus strand). VCF-style: chr12-4379495-G-A. GRCh37 (hg19) VCF-style: chr12-4488661-G-A.
Other names: short protein forms P30S.
Identifiers: ClinVar variation 930793 (VCV000930793.12), dbSNP rs758725402, ClinGen allele CA6395782.

ClinVar aggregate classification (germline): Conflicting classifications of pathogenicity. Review status: criteria provided, conflicting classifications (1 of 4 stars). 5 submissions from 5 submitters: Uncertain significance (4); Likely benign (1). Last evaluated 2025-07-07.

Conditions:
Autosomal dominant hypophosphatemic rickets (ADHR). Also called: VITAMIN D-RESISTANT RICKETS, AUTOSOMAL DOMINANT; HYPOPHOSPHATEMIA, AUTOSOMAL DOMINANT. Identifiers: Orphanet 89937, MedGen C0342642, MONDO:0008660, OMIM 193100.
Tumoral calcinosis, hyperphosphatemic, familial, 2. Identifiers: MedGen C4693863, MONDO:0060714, OMIM 617993.
Inborn genetic diseases. Identifiers: MedGen C0950123, MeSH D030342.

Allele frequency attached by ClinVar (database versions not stated): gnomAD 0.00005 and 0.00006; gnomAD exomes 0.00006 and 0.00008; TOPMed 0.00009; ExAC 0.00010.

Submissions (5):

Labcorp Genetics (formerly Invitae), Labcorp
Classification: Uncertain significance. Last evaluated: 2025-07-07. Review status: criteria provided, single submitter. Criteria: Invitae Variant Classification Sherloc (09022015). Collection method: clinical testing. Allele origin: germline.
Comment: This sequence change replaces proline, which is neutral and non-polar, with serine, which is neutral and polar, at codon 30 of the FGF23 protein (p.Pro30Ser). This variant is present in population databases (rs758725402, gnomAD 0.01%). This variant has not been reported in the literature in individuals affected with FGF23-related conditions. ClinVar contains an entry for this variant (Variation ID: 930793). Invitae Evidence Modeling of protein sequence and biophysical properties (such as structural, functional, and spatial information, amino acid conservation, physicochemical variation, residue mobility, and thermodynamic stability) has been performed for this missense variant. However, the output from this modeling did not meet the statistical confidence thresholds required to predict the impact of this variant on FGF23 protein function. In summary, the available evidence is currently insufficient to determine the role of this variant in disease. Therefore, it has been classified as a Variant of Uncertain Significance.

Women's Health and Genetics/Laboratory Corporation of America, LabCorp
Classification: Likely benign. Last evaluated: 2025-06-30. Review status: criteria provided, single submitter. Criteria: LabCorp Variant Classification Summary - May 2015. Collection method: clinical testing. Allele origin: germline.
Comment: Variant summary: FGF23 c.88C>T (p.Pro30Ser) results in a non-conservative amino acid change in the encoded protein sequence. Algorithms developed to predict the effect of missense changes on protein structure and function all suggest that this variant is likely to be disruptive. The variant allele was found at a frequency of 8.4e-05 in 250414 control chromosomes. The observed variant frequency is approximately 8 fold of the estimated maximal expected allele frequency for a pathogenic variant in FGF23 causing Autosomal Dominant Hypophosphatemic Rickets phenotype (1e-05). To our knowledge, no experimental evidence demonstrating an impact on protein function has been reported. The following publication have been ascertained in the context of this evaluation (PMID: 35873773). ClinVar contains an entry for this variant (Variation ID: 930793). Based on the evidence outlined above, the variant was classified as likely benign.

Fulgent Genetics
Classification: Uncertain significance for Autosomal dominant hypophosphatemic rickets; Tumoral calcinosis, hyperphosphatemic, familial, 2. Last evaluated: 2024-05-30. Review status: criteria provided, single submitter. Criteria: ACMG Guidelines, 2015. Collection method: clinical testing. Allele origin: germline.

Ambry Genetics
Classification: Uncertain significance for Inborn genetic diseases. Last evaluated: 2022-12-21. Review status: criteria provided, single submitter. Criteria: Ambry Variant Classification Scheme 2023. Collection method: clinical testing. Allele origin: germline.

Centre for Mendelian Genomics, University Medical Centre Ljubljana
Classification: Uncertain significance for Tumoral calcinosis, hyperphosphatemic, familial, 2. Last evaluated: 2019-09-08. Review status: criteria provided, single submitter. Criteria: ACMG Guidelines, 2015. Collection method: clinical testing. Allele origin: unknown. Affected: yes.
Comment: This variant was classified as: Uncertain significance. The available evidence on this variant's pathogenicity is insufficient or conflicting. The following ACMG criteria were applied in classifying this variant: PP3,BS2.

Literature cited by the submitters: PubMed 35873773 (cited by Women's Health and Genetics/Laboratory Corporation of America, LabCorp).